The following is an entry in ClinVar:

NM_004281.4(BAG3):c.771C>T (p.Pro257=)

Gene: BAG3 (BAG cochaperone 3; plus strand). Cytogenetic location: 10q26.11.
Variant type: single nucleotide variant.
Coding change: c.771C>T on transcript NM_004281.4 (MANE Select); coding-DNA position 771, C replaced by T.
Protein change: p.Pro257=; no amino-acid change (proline 257 retained).
Molecular consequence: synonymous variant.
Genome position (GRCh38, 1-based): chr10:119,672,518, C>T. VCF-style: chr10-119672518-C-T. GRCh37 (hg19) VCF-style: chr10-121432030-C-T.
Other names: p.Pro257=.
Identifiers: ClinVar variation 162778 (VCV000162778.70), dbSNP rs200212999, ClinGen allele CA175294.

ClinVar aggregate classification (germline): Conflicting classifications of pathogenicity. Review status: criteria provided, conflicting classifications (1 of 4 stars). 15 submissions from 15 submitters: Uncertain significance (1); Likely benign (9). 5 of the submissions do not count toward it. Last evaluated 2026-02-03.

Conditions:
Cardiovascular phenotype. Identifiers: MedGen CN230736.
Dilated cardiomyopathy 1HH (CMD1HH). Identifiers: Orphanet 154, MedGen C3151293, MONDO:0013479, OMIM 613881.
Myofibrillar myopathy 6. Identifiers: Orphanet 199340, MedGen C2751831, MONDO:0013061, OMIM 612954.

Allele frequency attached by ClinVar (database versions not stated): 1000 Genomes Project 30x 0.00016; TOPMed 0.00019; 1000 Genomes Project 0.00020; gnomAD 0.00027 and 0.00028; ESP Exome Variant Server 0.00031.

Submissions (15):

Labcorp Genetics (formerly Invitae), Labcorp
Classification: Likely benign for Dilated cardiomyopathy 1HH; Myofibrillar myopathy 6. Last evaluated: 2026-02-03. Review status: criteria provided, single submitter. Criteria: Invitae Variant Classification Sherloc (09022015). Collection method: clinical testing. Allele origin: germline.

Mayo Clinic Laboratories, Mayo Clinic
Classification: Likely benign. Last evaluated: 2025-08-29. Review status: criteria provided, single submitter. Criteria: ACMG Guidelines, 2015. Collection method: clinical testing. Allele origin: germline. Observed: 3 variant alleles.
Comment: BP4, BP7

Molecular Diagnostic Laboratory for Inherited Cardiovascular Disease, Montreal Heart Institute
Classification: Likely benign. Last evaluated: 2025-04-09. Review status: criteria provided, single submitter. Criteria: ACMG Guidelines, 2015. Collection method: clinical testing. Allele origin: germline. Affected: no.

ARUP Laboratories, Molecular Genetics and Genomics, ARUP Laboratories
Classification: Likely benign. Last evaluated: 2024-10-16. Review status: criteria provided, single submitter. Criteria: ARUP Molecular Germline Variant Investigation Process 2024. Collection method: clinical testing. Allele origin: germline.

Blueprint Genetics
Classification: Likely benign. Last evaluated: 2024-09-18. Review status: criteria provided, single submitter. Criteria: ACMG Guidelines, 2015. Collection method: clinical testing. Allele origin: germline.

Ambry Genetics
Classification: Likely benign for Cardiovascular phenotype. Last evaluated: 2019-05-23. Review status: criteria provided, single submitter. Criteria: Ambry Variant Classification Scheme 2023. Collection method: clinical testing. Allele origin: germline.

GeneDx
Classification: Likely benign. Last evaluated: 2019-01-17. Review status: criteria provided, single submitter. Criteria: GeneDx Variant Classification Process June 2021. Collection method: clinical testing. Allele origin: germline. Affected: yes.

CeGaT Center for Human Genetics Tuebingen
Classification: Uncertain significance. Last evaluated: 2016-05-01. Review status: criteria provided, single submitter. Criteria: CeGaT Center For Human Genetics Tuebingen Variant Classification Criteria Version 2. Collection method: clinical testing. Allele origin: germline. Affected: yes. Observed: 1 variant allele.

Laboratory for Molecular Medicine, Mass General Brigham Personalized Medicine
Classification: Likely benign. Last evaluated: 2012-03-19. Review status: criteria provided, single submitter. Criteria: LMM Criteria. Collection method: clinical testing. Allele origin: germline. Observed: 1 variant allele.
Comment: Pro257Pro in exon 3 of BAG3: This variant is not expected to have clinical signi ficance because it does not alter an amino acid residue and is not located withi n the splice consensus sequence. It has been identified in 2/7020 European Ameri can chromosomes from a broad population by the NHLBI Exome Sequencing Project. Pro257Pro in exon 3 of BAG3 (allele frequency = 2/7020) **

PreventionGenetics, part of Exact Sciences
Classification: Likely benign. Review status: criteria provided, single submitter. Criteria: ACMG Guidelines, 2015. Collection method: clinical testing. Allele origin: germline.

Clinical Genetics DNA and cytogenetics Diagnostics Lab, Erasmus MC, Erasmus Medical Center
Classification: Likely benign. Review status: no assertion criteria provided. Collection method: clinical testing. Allele origin: germline. Affected: yes. Study: VKGL Data-share Consensus. Not counted in ClinVar's aggregate classification.

Clinical Genetics, Academic Medical Center
Classification: Benign. Review status: no assertion criteria provided. Collection method: clinical testing. Allele origin: germline. Affected: yes. Study: VKGL Data-share Consensus. Not counted in ClinVar's aggregate classification.

Diagnostic Laboratory, Department of Genetics, University Medical Center Groningen
Classification: Likely benign. Review status: no assertion criteria provided. Collection method: clinical testing. Allele origin: germline. Affected: yes. Study: VKGL Data-share Consensus. Not counted in ClinVar's aggregate classification.

Genome Diagnostics Laboratory, University Medical Center Utrecht
Classification: Likely benign. Review status: no assertion criteria provided. Collection method: clinical testing. Allele origin: germline. Affected: yes. Study: VKGL Data-share Consensus. Not counted in ClinVar's aggregate classification.

Joint Genome Diagnostic Labs from Nijmegen and Maastricht, Radboudumc and MUMC+
Classification: Likely benign. Review status: no assertion criteria provided. Collection method: clinical testing. Allele origin: germline. Affected: yes. Study: VKGL Data-share Consensus. Not counted in ClinVar's aggregate classification.